The following is an entry in ClinVar:

NM_001048174.2(MUTYH):c.1442A>G (p.Lys481Arg)

Gene: MUTYH (mutY DNA glycosylase; minus strand). Cytogenetic location: 1p34.1.
Variant type: single nucleotide variant.
Coding change: c.1442A>G on transcript NM_001048174.2 (MANE Select); coding-DNA position 1442, A replaced by G.
Protein change: p.Lys481Arg; replaces lysine 481 with arginine.
Molecular consequence: missense variant. On other transcripts: non-coding transcript variant (2).
Genome position (GRCh38, 1-based): chr1:45,329,430, T>C on the plus strand (A>G on the coding strand, the complement: MUTYH is on the minus strand). VCF-style: chr1-45329430-T-C. GRCh37 (hg19) VCF-style: chr1-45795102-T-C.
Other names: c.1442A>G, p.Lys481Arg (NM_001048171.2, NM_001048173.2, NM_001293195.2); c.1445A>G, p.Lys482Arg (NM_001048172.2); c.1526A>G, p.Lys509Arg (NM_001128425.2); c.1487A>G, p.Lys496Arg (NM_001293190.2); c.1475A>G, p.Lys492Arg (NM_001293191.2); c.1166A>G, p.Lys389Arg (NM_001293192.2, NM_001293196.2); c.1097A>G, p.Lys366Arg (NM_001350650.2, NM_001350651.2); c.1517A>G, p.Lys506Arg (NM_012222.3); short protein forms K389R, K482R, K366R, K492R, K506R, K509R, K481R, K496R.
Identifiers: ClinVar variation 1450112 (VCV001450112.9), dbSNP rs2149090096, ClinGen allele CA340131946.

ClinVar aggregate classification (germline): Conflicting classifications of pathogenicity. Review status: criteria provided, conflicting classifications (1 of 4 stars). 2 submissions from 2 submitters: Uncertain significance (1); Benign (1). Last evaluated 2025-09-09.

Conditions:
Hereditary cancer-predisposing syndrome. Also called: Hereditary Cancer Syndrome; Neoplastic Syndromes, Hereditary; Hereditary neoplastic syndrome; Tumor predisposition. Identifiers: Orphanet 140162, MedGen C0027672, MeSH D009386, MONDO:0015356.
Familial adenomatous polyposis 2. Also called: COLORECTAL ADENOMATOUS POLYPOSIS, AUTOSOMAL RECESSIVE; ADENOMAS, MULTIPLE COLORECTAL, AUTOSOMAL RECESSIVE; MUTYH-associated polyposis; MUTYH Polyposis; Adenomas, multiple colorectal; MUTYH-related attenuated familial adenomatous polyposis. Identifiers: Orphanet 220460, Orphanet 247798, MedGen C3272841, MONDO:0012041, OMIM 608456.

gnomAD v4.1: 1 of 1,614,054 alleles (0.000062%); highest among the groups gnomAD compares: Non-Finnish European, 0.000085%; no homozygotes.

Submissions (2):

Ambry Genetics
Classification: Benign for Hereditary cancer-predisposing syndrome. Last evaluated: 2025-09-09. Review status: criteria provided, single submitter. Criteria: Ambry Variant Classification Scheme 2023. Collection method: clinical testing. Allele origin: germline.

Labcorp Genetics (formerly Invitae), Labcorp
Classification: Uncertain significance for Familial adenomatous polyposis 2. Last evaluated: 2024-04-11. Review status: criteria provided, single submitter. Criteria: Invitae Variant Classification Sherloc (09022015). Collection method: clinical testing. Allele origin: germline.
Comment: This sequence change replaces lysine, which is basic and polar, with arginine, which is basic and polar, at codon 509 of the MUTYH protein (p.Lys509Arg). This variant is not present in population databases (gnomAD no frequency). This variant has not been reported in the literature in individuals affected with MUTYH-related conditions. ClinVar contains an entry for this variant (Variation ID: 1450112). Algorithms developed to predict the effect of missense changes on protein structure and function output the following: SIFT: "Not Available"; PolyPhen-2: "Benign"; Align-GVGD: "Not Available". The arginine amino acid residue is found in multiple mammalian species, which suggests that this missense change does not adversely affect protein function. In summary, the available evidence is currently insufficient to determine the role of this variant in disease. Therefore, it has been classified as a Variant of Uncertain Significance.